The following is an entry in ClinVar:

NM_003668.4(MAPKAPK5):c.1405G>A (p.Glu469Lys)

Gene: MAPKAPK5 (MAPK activated protein kinase 5; plus strand). Cytogenetic location: 12q24.12.
Variant type: single nucleotide variant.
Coding change: c.1405G>A on transcript NM_003668.4 (MANE Select); coding-DNA position 1405, G replaced by A.
Protein change: p.Glu469Lys; replaces glutamic acid 469 with lysine.
Molecular consequence: missense variant. On other transcripts: intron variant (2).
Genome position (GRCh38, 1-based): chr12:111,893,050, G>A. VCF-style: chr12-111893050-G-A. GRCh37 (hg19) VCF-style: chr12-112330854-G-A.
Other names: c.1330G>A, p.Glu444Lys (NM_001371481.1); c.1321G>A, p.Glu441Lys (NM_001371482.1); c.1315G>A, p.Glu439Lys (NM_001371483.1); c.1309G>A, p.Glu437Lys (NM_001371484.1); c.1204G>A, p.Glu402Lys (NM_001371485.1); c.1198G>A, p.Glu400Lys (NM_001371486.1); c.1108G>A, p.Glu370Lys (NM_001371487.1); c.1411G>A, p.Glu471Lys (NM_139078.3); and 2 more; short protein forms E370K, E400K, E402K, E437K, E439K, E441K, E444K, E469K.
Identifiers: ClinVar variation 2430977 (VCV002430977.1), dbSNP rs773696015, ClinGen allele CA243648737.

ClinVar aggregate classification (germline): Uncertain significance (1 of 4 stars; one submission).

Allele frequency attached by ClinVar (database versions not stated): gnomAD exomes 0.00001; gnomAD 0.00005; TOPMed 0.00006.
gnomAD v4.1: 24 of 1,573,306 alleles (0.0015%); highest among the groups gnomAD compares: Non-Finnish European, 0.002%; no homozygotes.

Submission:

GeneDx
Classification: Uncertain significance. Last evaluated: 2022-08-26. Review status: criteria provided, single submitter. Criteria: GeneDx Variant Classification Process June 2021. Collection method: clinical testing. Allele origin: germline. Affected: yes.
Comment: In silico analysis supports that this missense variant does not alter protein structure/function; Has not been previously published as pathogenic or benign to our knowledge